The following is an entry in ClinVar:

ClinVar aggregate classification (germline): Conflicting classifications of pathogenicity. Review status: criteria provided, conflicting classifications (1 of 4 stars). 8 submissions from 8 submitters: Uncertain significance (1); Benign (2); Likely benign (4). 1 of the submissions does not count toward it. Last evaluated 2025-11-17.

Conditions:
CUBN-related disorder. Also called: CUBN-related condition.
Inborn genetic diseases. Identifiers: MedGen C0950123, MeSH D030342.
Imerslund-Grasbeck syndrome type 1 (IGS1). Also called: Megaloblastic anemia 1, Finnish type; MEGALOBLASTIC ANEMIA, 1; Imerslund-Gräsbeck syndrome 1. Identifiers: MedGen C4016819, MONDO:0100156, OMIM 261100.
Imerslund-Grasbeck syndrome. Also called: Megaloblastic anemia due to inborn errors of metabolism; ENTEROCYTE COBALAMIN MALABSORPTION; ENTEROCYTE INTRINSIC FACTOR RECEPTOR, DEFECT OF; PERNICIOUS ANEMIA, JUVENILE, DUE TO SELECTIVE INTESTINAL MALABSORPTION OF VITAMIN B12, WITH PROTEINURIA; Imerslund-Gräsbeck syndrome. Identifiers: Orphanet 35858, MedGen C4551825, MONDO:0009853.

Allele frequency attached by ClinVar (database versions not stated): ExAC 0.00081; 1000 Genomes Project 0.00140; gnomAD 0.00169; ESP Exome Variant Server 0.00269; TOPMed 0.00195; 1000 Genomes Project 30x 0.00219; gnomAD exomes 0.00065.
gnomAD v4.1: 772 of 1,614,114 alleles (0.048%); highest among the groups gnomAD compares: African/African-American, 0.62%; 4 homozygotes.

Submissions (8):

Labcorp Genetics (formerly Invitae), Labcorp
Classification: Benign for Imerslund-Grasbeck syndrome. Last evaluated: 2025-11-17. Review status: criteria provided, single submitter. Criteria: Invitae Variant Classification Sherloc (09022015). Collection method: clinical testing. Allele origin: germline.

Mayo Clinic Laboratories, Mayo Clinic
Classification: Benign. Last evaluated: 2025-07-16. Review status: criteria provided, single submitter. Criteria: ACMG Guidelines, 2015. Collection method: clinical testing. Allele origin: germline. Observed: 1 variant allele.
Comment: BS1, BP4_strong

Laboratory of Genetics, Children's Clinical University Hospital Latvia
Classification: Likely benign. Last evaluated: 2025-02-16. Review status: criteria provided, single submitter. Criteria: ACMG Guidelines, 2015. Collection method: clinical testing. Allele origin: germline. Affected: yes.

Ambry Genetics
Classification: Uncertain significance for Inborn genetic diseases. Last evaluated: 2021-09-17. Review status: criteria provided, single submitter. Criteria: Ambry Variant Classification Scheme 2023. Collection method: clinical testing. Allele origin: germline.

Illumina Laboratory Services, Illumina
Classification: Likely benign for Imerslund-Grasbeck syndrome type 1. Last evaluated: 2018-01-13. Review status: criteria provided, single submitter. Criteria: ICSL Variant Classification Criteria 13 December 2019. Collection method: clinical testing. Allele origin: germline.
Comment: This variant was observed in the ICSL laboratory as part of a predisposition screen in an ostensibly healthy population. It had not been previously curated by ICSL or reported in the Human Gene Mutation Database (HGMD: prior to June 1st, 2018), and was therefore a candidate for classification through an automated scoring system. Utilizing variant allele frequency, disease prevalence and penetrance estimates, and inheritance mode, an automated score was calculated to assess if this variant is too frequent to cause the disease. Based on the score and internal cut-off values, a variant classified as likely benign is not then subjected to further curation. The score for this variant resulted in a classification of likely benign for this disease.

Eurofins Ntd Llc (ga)
Classification: Likely benign. Last evaluated: 2017-04-07. Review status: criteria provided, single submitter. Criteria: EGL Classification Definitions 2015. Collection method: clinical testing. Allele origin: germline. Observed: 1 variant allele, 1 heterozygote.

Breakthrough Genomics
Classification: Likely benign. Review status: criteria provided, single submitter. Criteria: ACMG Guidelines, 2015. Collection method: not provided. Allele origin: germline. Inheritance: Autosomal recessive inheritance. Affected: yes.

PreventionGenetics, part of Exact Sciences
Classification: Likely benign for CUBN-related condition. Last evaluated: 2019-11-25. Review status: no assertion criteria provided. Collection method: clinical testing. Allele origin: germline. Not counted in ClinVar's aggregate classification.
Comment: This variant is classified as likely benign based on ACMG/AMP sequence variant interpretation guidelines (Richards et al. 2015 PMID: 25741868, with internal and published modifications).

NM_001081.4(CUBN):c.8968G>A (p.Val2990Ile)

Gene: CUBN (cubilin; minus strand). Cytogenetic location: 10p13.
Variant type: single nucleotide variant.
Coding change: c.8968G>A on transcript NM_001081.4 (MANE Select); coding-DNA position 8968, G replaced by A.
Protein change: p.Val2990Ile; replaces valine 2990 with isoleucine.
Molecular consequence: missense variant.
Genome position (GRCh38, 1-based): chr10:16,877,035, C>T on the plus strand (G>A on the coding strand, the complement: CUBN is on the minus strand). VCF-style: chr10-16877035-C-T. GRCh37 (hg19) VCF-style: chr10-16919034-C-T.
Other names: p.Val2990Ile; short protein forms V2990I.
Identifiers: ClinVar variation 501125 (VCV000501125.24), dbSNP rs115888073, ClinGen allele CA5422845.